The following is an entry in ClinVar:

NM_000138.5(FBN1):c.442+2dup

Gene: FBN1 (fibrillin 1; minus strand). Cytogenetic location: 15q21.1.
Variant type: Duplication.
Coding change: c.442+2dup on transcript NM_000138.5 (MANE Select); the canonical splice donor site of the intron after coding-DNA position 442, one base duplicated (T; older notation c.442+2dupT).
Molecular consequence: splice donor variant.
Genome position (GRCh38, 1-based): chr15:48,600,137, A duplicated on the plus strand (T on the coding strand, the reverse complement: FBN1 is on the minus strand). VCF-style (leftmost placement, unchanged base first): chr15-48600136-T-TA. GRCh37 (hg19) VCF-style: chr15-48892333-T-TA.
Other names: c.442+2dup (NM_001406716.1, NM_001406717.1).
Identifiers: ClinVar variation 4813410 (VCV004813410.1).

ClinVar aggregate classification (germline): Uncertain significance (1 of 4 stars; one submission).

Submission:

GeneDx
Classification: Uncertain significance. Last evaluated: 2025-09-16. Review status: criteria provided, single submitter. Criteria: GeneDx Variant Classification Process June 2021. Collection method: clinical testing. Allele origin: germline. Affected: yes.
Comment: Not observed at significant frequency in large population cohorts (gnomAD); In silico analysis supports a deleterious effect on splicing; Has not been previously published as pathogenic or benign to our knowledge